The following is an entry in ClinVar:

NM_018082.6(POLR3B):c.2820G>T (p.Val940=)

Genes: POLR3B (RNA polymerase III subunit B; plus strand), RFX4-AS1 (RFX4 antisense RNA 1; minus strand). Cytogenetic location: 12q23.3.
Variant type: single nucleotide variant.
Coding change: c.2820G>T on transcript NM_018082.6 (MANE Select); coding-DNA position 2820, G replaced by T.
Protein change: p.Val940=; no amino-acid change (valine 940 retained).
Molecular consequence: synonymous variant.
Genome position (GRCh38, 1-based): chr12:106,496,754, G>T. VCF-style: chr12-106496754-G-T. GRCh37 (hg19) VCF-style: chr12-106890532-G-T.
Other names: c.2646G>T, p.Val882= (NM_001160708.2).
Identifiers: ClinVar variation 3051566 (VCV003051566.4), dbSNP rs139255984, ClinGen allele CA6762313.

ClinVar aggregate classification (germline): Conflicting classifications of pathogenicity. Review status: criteria provided, conflicting classifications (1 of 4 stars). 3 submissions from 3 submitters: Uncertain significance (1); Likely benign (1). 1 of the submissions does not count toward it. Last evaluated 2026-04-15.

Conditions:
POLR3B-related disorder. Also called: POLR3B-related condition; POLR3B-related disorders. Identifiers: MedGen CN378588, MONDO:0700277.

Allele frequency attached by ClinVar (database versions not stated): ExAC 0.00001; gnomAD 0.00002; TOPMed 0.00002; ESP Exome Variant Server 0.00008.
gnomAD v4.1: 15 of 1,613,866 alleles (0.00093%); highest among the groups gnomAD compares: Non-Finnish European, 0.0012%; no homozygotes.

Submissions (3):

Women's Health and Genetics/Laboratory Corporation of America, LabCorp
Classification: Uncertain significance. Last evaluated: 2026-04-15. Review status: criteria provided, single submitter. Criteria: LabCorp Variant Classification Summary - May 2015. Collection method: clinical testing. Allele origin: germline.
Comment: Variant summary: POLR3B c.2820G>T (p.Val940Val) alters a conserved nucleotide located close to a canonical splice site and therefore could affect mRNA splicing, leading to a significantly altered protein sequence. Consensus agreement among computational tools predicts no significant impact on normal splicing. However, these predictions have yet to be confirmed by functional studies. The variant allele was found at a frequency of 1.2e-05 in 251360 control chromosomes. The available data on variant occurrences in the general population are insufficient to allow any conclusion about variant significance. To our knowledge, no occurrence of c.2820G>T in individuals affected with POLR3B-related conditions and no experimental evidence demonstrating its impact on protein function have been reported. ClinVar contains an entry for this variant (Variation ID: 3051566). Based on the evidence outlined above, the variant was classified as uncertain significance.

Blueprint Genetics
Classification: Likely benign. Last evaluated: 2024-11-26. Review status: criteria provided, single submitter. Criteria: ACMG Guidelines, 2015. Collection method: clinical testing. Allele origin: germline.

PreventionGenetics, part of Exact Sciences
Classification: Likely benign for POLR3B-related condition. Last evaluated: 2020-02-17. Review status: no assertion criteria provided. Collection method: clinical testing. Allele origin: germline. Not counted in ClinVar's aggregate classification.
Comment: This variant is classified as likely benign based on ACMG/AMP sequence variant interpretation guidelines (Richards et al. 2015 PMID: 25741868, with internal and published modifications).